The following is an entry in ClinVar:

ClinVar aggregate classification (germline): Likely benign. Review status: reviewed by expert panel (3 of 4 stars). 3 submissions from 3 submitters: Likely benign (1). 2 of the submissions do not count toward it. Last evaluated 2024-09-10.

Conditions:
Hereditary thrombocytopenia and hematologic cancer predisposition syndrome. Identifiers: Orphanet 71290, MedGen CN281654, MONDO:0011071.
Hereditary thrombocytopenia and hematological cancer predisposition syndrome associated with RUNX1. Also called: RUNX1 Familial Platelet Disorder with Associated Myeloid Malignancies; Familial Platelet Disorder with Propensity to Acute Myelogenous Leukemia; Familial thrombocytopenia with propensity to acute myelogenous leukemia; PLATELET DISORDER, ASPIRIN-LIKE. Identifiers: Orphanet 71290, MedGen C1832388, MeSH C563324, MONDO:0100083, OMIM 601399.
Inborn genetic diseases. Identifiers: MedGen C0950123, MeSH D030342.

Allele frequency attached by ClinVar (database versions not stated): gnomAD exomes 0.00001.
gnomAD v4.1: 1 of 1,552,860 alleles (0.000064%); highest among the groups gnomAD compares: South Asian, 0.0012%; no homozygotes.

Submissions (3):

ClinGen Myeloid Malignancy Variant Curation Expert Panel
Classification: Likely benign for Hereditary thrombocytopenia and hematologic cancer predisposition syndrome. Last evaluated: 2024-09-10. Review status: reviewed by expert panel. Criteria: ClinGen MyeloMalig ACMG Specifications v2. Collection method: curation. Allele origin: germline. Inheritance: Autosomal dominant inheritance.
Comment: NM_001754.5(RUNX1):c.1233C>T (p.Ala411=) is a synonymous variant which has a SpliceAI score ≤ 0.20 (0.0) (BP4). This variant has a SpliceAI score ≤ 0.20 (0.0) and evolutionary conservation algorithms predict the site as not being conserved (PhyloP score ≤ 2.0 (-0.37)) (BP7). In summary, this variant meets criteria to be classified as likely benign. ACMG/AMP criteria applied, as specified by the Myeloid Malignancy Variant Curation Expert Panel for RUNX1: BP4, BP7.

Labcorp Genetics (formerly Invitae), Labcorp
Classification: Likely benign for Hereditary thrombocytopenia and hematological cancer predisposition syndrome associated with RUNX1. Last evaluated: 2025-11-25. Review status: criteria provided, single submitter. Criteria: Invitae Variant Classification Sherloc (09022015). Collection method: clinical testing. Allele origin: germline. Not counted in ClinVar's aggregate classification.

Ambry Genetics
Classification: Likely benign for Inborn genetic diseases. Last evaluated: 2025-08-02. Review status: criteria provided, single submitter. Criteria: Ambry Variant Classification Scheme 2023. Collection method: clinical testing. Allele origin: germline. Not counted in ClinVar's aggregate classification.

NM_001754.5(RUNX1):c.1233C>T (p.Ala411=)

Gene: RUNX1 (RUNX family transcription factor 1; minus strand). Cytogenetic location: 21q22.12.
Variant type: single nucleotide variant.
Coding change: c.1233C>T on transcript NM_001754.5 (MANE Select); coding-DNA position 1233, C replaced by T.
Protein change: p.Ala411=; no amino-acid change (alanine 411 retained).
Molecular consequence: synonymous variant.
Genome position (GRCh38, 1-based): chr21:34,792,345, G>A on the plus strand (C>T on the coding strand, the complement: RUNX1 is on the minus strand). VCF-style: chr21-34792345-G-A. GRCh37 (hg19) VCF-style: chr21-36164642-G-A.
Other names: NM_001754.5(RUNX1):c.1233C>T; p.Ala411=; c.1152C>T, p.Ala384= (NM_001001890.3); c.1233C>T (NM_001754.4).
Identifiers: ClinVar variation 1575554 (VCV001575554.10), dbSNP rs1310943509, ClinGen allele CA512341204.